The following is an entry in ClinVar:

NM_004336.5(BUB1):c.2119A>T (p.Ile707Phe)

Gene: BUB1 (BUB1 mitotic checkpoint serine/threonine kinase; minus strand). Cytogenetic location: 2q13.
Variant type: single nucleotide variant.
Coding change: c.2119A>T on transcript NM_004336.5 (MANE Select); coding-DNA position 2119, A replaced by T.
Protein change: p.Ile707Phe; replaces isoleucine 707 with phenylalanine.
Molecular consequence: missense variant.
Genome position (GRCh38, 1-based): chr2:110,650,630, T>A on the plus strand (A>T on the coding strand, the complement: BUB1 is on the minus strand). VCF-style: chr2-110650630-T-A. GRCh37 (hg19) VCF-style: chr2-111408207-T-A.
Other names: c.2059A>T, p.Ile687Phe (NM_001278616.2); c.2119A>T, p.Ile707Phe (NM_001278617.2); short protein forms I687F, I707F.
Identifiers: ClinVar variation 1786203 (VCV001786203.3), dbSNP rs778262912, ClinGen allele CA1827889.

ClinVar aggregate classification (germline): Uncertain significance (1 of 4 stars; one submission).

Allele frequency attached by ClinVar (database versions not stated): ExAC 0.00001; gnomAD 0.00002; TOPMed 0.00002.
gnomAD v4.1: 18 of 1,613,868 alleles (0.0011%); highest among the groups gnomAD compares: Admixed American, 0.0017%; no homozygotes.

Submission:

Ambry Genetics
Classification: Uncertain significance. Last evaluated: 2024-04-24. Review status: criteria provided, single submitter. Criteria: Ambry Variant Classification Scheme 2023. Collection method: clinical testing. Allele origin: germline.
Comment: The p.I707F variant (also known as c.2119A>T), located in coding exon 18 of the BUB1 gene, results from an A to T substitution at nucleotide position 2119. The isoleucine at codon 707 is replaced by phenylalanine, an amino acid with highly similar properties. This amino acid position is conserved. In addition, this alteration is predicted to be tolerated by in silico analysis. Since supporting evidence is limited at this time, the clinical significance of this alteration remains unclear.